The following is an entry in ClinVar:

ClinVar aggregate classification (germline): Uncertain significance (1 of 4 stars; one submission).

Conditions:
Familial cancer of breast. Also called: Hereditary breast cancer; BREAST CANCER, FAMILIAL; hereditary breast carcinoma. Identifiers: Orphanet 227535, MedGen C0346153, MONDO:0016419, OMIM 114480. Disease mechanism: loss of function.
Fanconi anemia complementation group J. Also called: BRIP1-Related Fanconi Anemia. Identifiers: Orphanet 84, MedGen C1836860, MONDO:0012187, OMIM 609054.

Allele frequency attached by ClinVar (database versions not stated): gnomAD exomes below 0.00001.
gnomAD v4.1: 1 of 1,608,046 alleles (0.000062%); highest among the groups gnomAD compares: Non-Finnish European, 0.000085%; no homozygotes.

Submission:

Labcorp Genetics (formerly Invitae), Labcorp
Classification: Uncertain significance for Familial cancer of breast; Fanconi anemia complementation group J. Last evaluated: 2023-08-27. Review status: criteria provided, single submitter. Criteria: Invitae Variant Classification Sherloc (09022015). Collection method: clinical testing. Allele origin: germline.
Comment: ClinVar contains an entry for this variant (Variation ID: 2105920). In summary, the available evidence is currently insufficient to determine the role of this variant in disease. Therefore, it has been classified as a Variant of Uncertain Significance. Algorithms developed to predict the effect of sequence changes on RNA splicing suggest that this variant may disrupt the consensus splice site. This variant has not been reported in the literature in individuals affected with BRIP1-related conditions. This variant is not present in population databases (gnomAD no frequency). This sequence change falls in intron 9 of the BRIP1 gene. It does not directly change the encoded amino acid sequence of the BRIP1 protein.

NM_032043.3(BRIP1):c.1341-6T>G

Gene: BRIP1 (BRCA1 interacting DNA helicase 1; minus strand). Cytogenetic location: 17q23.2.
Variant type: single nucleotide variant.
Coding change: c.1341-6T>G on transcript NM_032043.3 (MANE Select); 6 bases into the intron before coding-DNA position 1341, T replaced by G.
Molecular consequence: intron variant.
Genome position (GRCh38, 1-based): chr17:61,793,735, A>C on the plus strand (T>G on the coding strand, the complement: BRIP1 is on the minus strand). VCF-style: chr17-61793735-A-C. GRCh37 (hg19) VCF-style: chr17-59871096-A-C.
Identifiers: ClinVar variation 2105920 (VCV002105920.4), dbSNP rs2545108791, ClinGen allele CA2580094533.